The following is an entry in ClinVar:

ClinVar aggregate classification (germline): Benign. Review status: criteria provided, multiple submitters, no conflicts (2 of 4 stars). 4 submissions from 4 submitters: Benign (4). Last evaluated 2026-02-02.

Conditions:
Autoimmune interstitial lung disease-arthritis syndrome. Also called: Autoinflammation and autoimmunity, systemic, with immune dysregulation. Identifiers: Orphanet 444092, MedGen C5975714, MONDO:0014629.

Allele frequency attached by ClinVar (database versions not stated): gnomAD 0.01220 and 0.01303; ESP Exome Variant Server 0.01353; 1000 Genomes Project 0.01358; 1000 Genomes Project 30x 0.01390; TOPMed 0.01442.

Submissions (4):

Labcorp Genetics (formerly Invitae), Labcorp
Classification: Benign for Autoimmune interstitial lung disease-arthritis syndrome. Last evaluated: 2026-02-02. Review status: criteria provided, single submitter. Criteria: Invitae Variant Classification Sherloc (09022015). Collection method: clinical testing. Allele origin: germline.

Women's Health and Genetics/Laboratory Corporation of America, LabCorp
Classification: Benign. Last evaluated: 2026-01-22. Review status: criteria provided, single submitter. Criteria: LabCorp Variant Classification Summary - May 2015. Collection method: clinical testing. Allele origin: germline.

Mayo Clinic Laboratories, Mayo Clinic
Classification: Benign. Last evaluated: 2024-05-08. Review status: criteria provided, single submitter. Criteria: ACMG Guidelines, 2015. Collection method: clinical testing. Allele origin: germline. Observed: 2 variant alleles.
Comment: BS1, BS2, BP4, BP7

Breakthrough Genomics
Classification: Benign. Review status: criteria provided, single submitter. Criteria: ACMG Guidelines, 2015. Collection method: not provided. Allele origin: germline. Inheritance: Autosomal dominant inheritance. Affected: yes.

NM_004371.4(COPA):c.2319C>T (p.Ser773=)

Gene: COPA (coat protein complex I subunit alpha; minus strand). Cytogenetic location: 1q23.2.
Variant type: single nucleotide variant.
Coding change: c.2319C>T on transcript NM_004371.4 (MANE Select); coding-DNA position 2319, C replaced by T.
Protein change: p.Ser773=; no amino-acid change (serine 773 retained).
Molecular consequence: synonymous variant.
Genome position (GRCh38, 1-based): chr1:160,296,094, G>A on the plus strand (C>T on the coding strand, the complement: COPA is on the minus strand). VCF-style: chr1-160296094-G-A. GRCh37 (hg19) VCF-style: chr1-160265884-G-A.
Other names: p.Ser773=; c.2319C>T, p.Ser773= (LRG_1336t1); c.2346C>T, p.Ser782= (NM_001098398.2).
Identifiers: ClinVar variation 476024 (VCV000476024.15), dbSNP rs74125574, ClinGen allele CA1197918.